The following is an entry in ClinVar:

NM_001101426.4(CRPPA):c.802C>T (p.Arg268Ter)

Gene: CRPPA (CDP-L-ribitol pyrophosphorylase A; minus strand). Cytogenetic location: 7p21.2.
Variant type: single nucleotide variant.
Coding change: c.802C>T on transcript NM_001101426.4 (MANE Select); coding-DNA position 802, C replaced by T.
Protein change: p.Arg268Ter; replaces arginine 268 with a stop codon.
Molecular consequence: nonsense.
Genome position (GRCh38, 1-based): chr7:16,301,454, G>A on the plus strand (C>T on the coding strand, the complement: CRPPA is on the minus strand). VCF-style: chr7-16301454-G-A. GRCh37 (hg19) VCF-style: chr7-16341079-G-A.
Other names: c.652C>T, p.Arg218Ter (NM_001101417.4); c.697C>T, p.Arg233Ter (NM_001368197.1); short protein forms R268*, R218*, R233*.
Identifiers: ClinVar variation 31568 (VCV000031568.9), dbSNP rs368593151, ClinGen allele CA260031.

ClinVar aggregate classification (germline): Pathogenic. Review status: criteria provided, multiple submitters, no conflicts (2 of 4 stars). 4 submissions from 4 submitters: Pathogenic (3). 1 of the submissions does not count toward it. Last evaluated 2024-10-21.

Conditions:
Autosomal recessive limb-girdle muscular dystrophy type 2U. Also called: Muscular dystrophy-dystroglycanopathy (limb-girdle), type c, 7; MUSCULAR DYSTROPHY, LIMB-GIRDLE, TYPE 2U. Identifiers: Orphanet 352479, MedGen C5190987, MONDO:0014474, OMIM 616052.
Muscular dystrophy-dystroglycanopathy (congenital with brain and eye anomalies), type A, 7. Also called: WALKER-WARBURG SYNDROME OR MUSCLE-EYE-BRAIN DISEASE, ISPD-RELATED; Congenital muscular dystrophy-dystroglycanopathy with brain and eye anomalies, type A7. Identifiers: Orphanet 899, MedGen C3553330, MONDO:0013835, OMIM 614643.

Allele frequency attached by ClinVar (database versions not stated): gnomAD exomes below 0.00001; ExAC 0.00001; TOPMed 0.00002; ESP Exome Variant Server 0.00008.
gnomAD v4.1: 28 of 1,612,072 alleles (0.0017%); highest among the groups gnomAD compares: East Asian, 0.0022%; no homozygotes.

Submissions (4):

Labcorp Genetics (formerly Invitae), Labcorp
Classification: Pathogenic for Muscular dystrophy-dystroglycanopathy (congenital with brain and eye anomalies), type A, 7; Autosomal recessive limb-girdle muscular dystrophy type 2U. Last evaluated: 2024-10-21. Review status: criteria provided, single submitter. Criteria: Invitae Variant Classification Sherloc (09022015). Collection method: clinical testing. Allele origin: germline.
Comment: This sequence change creates a premature translational stop signal (p.Arg268*) in the ISPD gene. It is expected to result in an absent or disrupted protein product. Loss-of-function variants in ISPD are known to be pathogenic (PMID: 23288328). This variant is present in population databases (rs368593151, gnomAD 0.007%). This premature translational stop signal has been observed in individual(s) with muscle eye brain disease (PMID: 22522421). ClinVar contains an entry for this variant (Variation ID: 31568). For these reasons, this variant has been classified as Pathogenic.

GeneDx
Classification: Pathogenic. Last evaluated: 2018-12-04. Review status: criteria provided, single submitter. Criteria: GeneDx Variant Classification (06012015). Collection method: clinical testing. Allele origin: germline. Affected: yes.
Comment: The R268X nonsense variant in the ISPD gene has been reported previously in an individual with muscle-eye-brain disease who had a second variant identified on the opposite ISPD allele (in trans) (Roscioli et al., 2012). The R268X variant is not observed at a significant frequency in large population cohorts (Lek et al., 2016). This pathogenic variant is predicted to cause loss of normal protein function either through protein truncation or nonsense-mediated mRNA decay.

Eurofins Ntd Llc (ga)
Classification: Pathogenic. Last evaluated: 2018-06-01. Review status: criteria provided, single submitter. Criteria: EGL ClinVar v180209 classification definitions. Collection method: clinical testing. Allele origin: germline. Observed: 2 variant alleles, 2 heterozygotes.

OMIM
Classification: Pathogenic for MUSCULAR DYSTROPHY-DYSTROGLYCANOPATHY (CONGENITAL WITH BRAIN AND EYE ANOMALIES), TYPE A, 7. Last evaluated: 2012-05-01. Review status: no assertion criteria provided. Collection method: literature only. Allele origin: germline. Not counted in ClinVar's aggregate classification.

Literature cited by the submitters: PubMed 23288328 (cited by Labcorp Genetics (formerly Invitae), Labcorp); PubMed 22522421 (cited by Labcorp Genetics (formerly Invitae), Labcorp and OMIM).